The following is an entry in ClinVar:

NM_175914.5(HNF4A):c.498T>A (p.Cys166Ter)

Gene: HNF4A (hepatocyte nuclear factor 4 alpha; plus strand). Cytogenetic location: 20q13.12.
Variant type: single nucleotide variant.
Coding change: c.498T>A on transcript NM_175914.5 (MANE Select); coding-DNA position 498, T replaced by A.
Protein change: p.Cys166Ter; replaces cysteine 166 with a stop codon.
Molecular consequence: nonsense.
Genome position (GRCh38, 1-based): chr20:44,414,578, T>A. VCF-style: chr20-44414578-T-A. GRCh37 (hg19) VCF-style: chr20-43043218-T-A.
Other names: NM_175914.5(HNF4A):c.498T>A; p.Cys166Ter; c.498T>A (NM_175914.4); c.489T>A, p.Cys163Ter (NM_001287182.2, NM_001287183.2, NM_001287184.2); c.564T>A, p.Cys188Ter (NM_178849.3, NM_178850.3, NM_000457.6); c.498T>A, p.Cys166Ter (NM_001030003.3, NM_001030004.3); c.543T>A, p.Cys181Ter (NM_001258355.2); short protein forms C163*, C166*, C188*, C181*.
Identifiers: ClinVar variation 520675 (VCV000520675.8), dbSNP rs1555815393, ClinGen allele CA409106015.
Genomic context (GRCh38, chr20:44,414,578, plus strand): 5'-CGTCTCCGGGATCAACGGCGACATTCGGGCGAAGAAGATTGCCAGCATCGCAGATGTGTG[T>A]GAGTCCATGAAGGAGCAGCTGCTGGTTCTCGTTGAGTGGGCCAAGTACATCCCAGCTTTC-3'

ClinVar aggregate classification (germline): Likely pathogenic. Review status: reviewed by expert panel (3 of 4 stars). 4 submissions from 4 submitters: Likely pathogenic (1). 3 of the submissions do not count toward it. Last evaluated 2024-05-09.

Conditions:
HNF4A-related disorder. Also called: HNF4A-related condition.
Monogenic diabetes. Identifiers: Orphanet 183625, MedGen C3888631, MONDO:0015967.
Maturity-onset diabetes of the young (MODY). Also called: Maturity onset diabetes mellitus in young. Identifiers: Orphanet 552, MedGen C0342276, MONDO:0018911, HP:0004904.

Submissions (4):

ClinGen Monogenic Diabetes Variant Curation Expert Panel
Classification: Likely pathogenic for Monogenic diabetes. Last evaluated: 2024-05-09. Review status: reviewed by expert panel. Criteria: ClinGen Diabetes ACMG Specifications HNF4A V2.0.0. Collection method: curation. Allele origin: germline. Inheritance: Autosomal dominant inheritance.
Comment: The c.498T>A variant in the hepatocyte nuclear factor 4-alpha gene, HNF4A, results in a premature termination at codon 166 (p.(Cys166Ter)) of NM_175914.5. This variant, located in biologically-relevant exon 5 of 10, is predicted to lead to nonsense mediated decay in a gene in which loss-of-function is an established disease mechanism (PVS1; PMID: 23348805). This variant is absent in gnomAD v2.1.1 (PM2_Supporting). It was identified in two unrelated individuals with non-autoimmune and non-absolute/near-absolute insulin-deficient diabetes; however, PS4_Moderate cannot be applied because this number is below the ClinGen MDEP threshold (ClinVar ID: 520675). In summary, c.498T>A meets the criteria to be classified as likely pathogenic for monogenic diabetes. ACMG/AMP criteria applied, as specified by the ClinGen MDEP (specification version 2.0.0, approved 10/11/2023): PVS1, PM2_Supporting).

PreventionGenetics, part of Exact Sciences
Classification: Likely pathogenic for HNF4A-related condition. Last evaluated: 2025-06-18. Review status: criteria provided, single submitter. Criteria: ACMG Guidelines, 2015. Collection method: clinical testing. Allele origin: germline. Not counted in ClinVar's aggregate classification.
Comment: The HNF4A c.498T>A variant is predicted to result in premature protein termination (p.Cys166*). This variant has been reported in neonatal patients with a suspected genetic condition (Supplementary table 1, Powis et al. 2018. PubMed ID: 29565416). To our knowledge, this variant has not been reported in a large population database (gnomAD), indicating this variant is rare. This variant is interpreted as likely pathogenic by the ClinGen Monogenic Diabetes Variant Curation Expert Panel in ClinVar (ClinVar ID: 520675). Nonsense variants in HNF4A are expected to be pathogenic. This variant is interpreted as likely pathogenic.

Ambry Genetics
Classification: Pathogenic for Maturity-onset diabetes of the young. Last evaluated: 2017-11-16. Review status: criteria provided, single submitter. Criteria: Ambry Variant Classification Scheme 2023. Collection method: clinical testing. Allele origin: germline. Not counted in ClinVar's aggregate classification.
Comment: The p.C166* pathogenic mutation (also known as c.498T>A), located in coding exon 5 of the HNF4A gene, results from a T to A substitution at nucleotide position 498. This changes the amino acid from a cysteine to a stop codon within coding exon 5. This alteration is expected to result in loss of function by premature protein truncation or nonsense-mediated mRNA decay. As such, this alteration is interpreted as a disease-causing mutation.

Clinical Genomics, Uppaluri K&H Personalized Medicine Clinic
Classification: Likely pathogenic for Maturity-onset diabetes of the young. Review status: criteria provided, single submitter. Criteria: K & H Uppaluri Personalized Medicine Clinic Variant Classification & Assertion Criteria_Updated V.1. Collection method: research. Allele origin: unknown. Inheritance: Autosomal dominant inheritance. Not counted in ClinVar's aggregate classification.
Comment: Potent mutations in HNF4A are associated with poor insulin secretion in response to hyperglycemia. Associated with MODY1. Patients initially respond well to sulfonylureas but eventually become insulin dependent. However, more evidence is required to ascertain the role of this particular variant rs1555815393 in MODY, yet.

Literature cited by the submitters: PubMed 18268044 (cited by Clinical Genomics, Uppaluri K&H Personalized Medicine Clinic); PubMed 17563455 (cited by Clinical Genomics, Uppaluri K&H Personalized Medicine Clinic); PubMed 32583173 (cited by Clinical Genomics, Uppaluri K&H Personalized Medicine Clinic); PubMed 35052457 (cited by Clinical Genomics, Uppaluri K&H Personalized Medicine Clinic); PubMed 35118593 (cited by Clinical Genomics, Uppaluri K&H Personalized Medicine Clinic); DOI 10.1159/000334532 (cited by Clinical Genomics, Uppaluri K&H Personalized Medicine Clinic).